The following is an entry in ClinVar:

ClinVar aggregate classification (germline): Uncertain significance. Review status: criteria provided, multiple submitters, no conflicts (2 of 4 stars). 2 submissions from 2 submitters: Uncertain significance (2). Last evaluated 2025-09-30.

Conditions:
Hereditary breast ovarian cancer syndrome. Also called: BRCA1- and BRCA2-Associated Hereditary Breast and Ovarian Cancer; Hereditary breast and ovarian cancer syndrome; Hereditary breast and ovarian cancer; Hereditary breast and ovarian cancer syndrome (HBOC); Hereditary breast and/or ovarian cancer syndrome; Breast and ovarian cancer. Identifiers: Orphanet 145, MedGen C0677776, MeSH D061325, MONDO:0003582. Disease mechanism: loss of function.
Hereditary cancer-predisposing syndrome. Also called: Hereditary neoplastic syndrome; Neoplastic Syndromes, Hereditary; Tumor predisposition; Hereditary Cancer Syndrome. Identifiers: Orphanet 140162, MedGen C0027672, MeSH D009386, MONDO:0015356.

Submissions (2):

Labcorp Genetics (formerly Invitae), Labcorp
Classification: Uncertain significance for Hereditary breast ovarian cancer syndrome. Last evaluated: 2025-09-30. Review status: criteria provided, single submitter. Criteria: Invitae Variant Classification Sherloc (09022015). Collection method: clinical testing. Allele origin: germline.
Comment: This variant occurs in a non-coding region of the BRCA2 gene. It does not change the encoded amino acid sequence of the BRCA2 protein. This variant also falls at the last nucleotide of exon 1, which is part of the consensus splice site for this exon. This variant is not present in population databases (gnomAD no frequency). This variant has not been reported in the literature in individuals affected with BRCA2-related conditions. ClinVar contains an entry for this variant (Variation ID: 566022). Studies have shown that this variant alters BRCA2 gene expression (internal data). Variants that disrupt the consensus splice site are a relatively common cause of aberrant splicing (PMID: 17576681, 9536098). Algorithms developed to predict the effect of sequence changes on RNA splicing suggest that this variant may disrupt the consensus splice site. In summary, the available evidence is currently insufficient to determine the role of this variant in disease. Therefore, it has been classified as a Variant of Uncertain Significance.

Color Diagnostics, LLC DBA Color Health
Classification: Uncertain significance for Hereditary cancer-predisposing syndrome. Last evaluated: 2019-06-19. Review status: criteria provided, single submitter. Criteria: ACMG Guidelines, 2015. Collection method: clinical testing. Allele origin: germline.

Literature cited by the submitters: PubMed 17576681 (cited by Labcorp Genetics (formerly Invitae), Labcorp); PubMed 9536098 (cited by Labcorp Genetics (formerly Invitae), Labcorp).

NM_000059.4(BRCA2):c.-40G>T

Genes: BRCA2 (BRCA2 DNA repair associated; plus strand), LOC106721785 (BRCA2 promoter/silencer region; plus strand). Cytogenetic location: 13q13.1.
Variant type: single nucleotide variant.
Coding change: c.-40G>T on transcript NM_000059.4 (MANE Select); 40 bases upstream of the start codon, G replaced by T.
Molecular consequence: 5 prime UTR variant.
Genome position (GRCh38, 1-based): chr13:32,315,667, G>T. VCF-style: chr13-32315667-G-T. GRCh37 (hg19) VCF-style: chr13-32889804-G-T.
Identifiers: ClinVar variation 566022 (VCV000566022.9), dbSNP rs1555279967, ClinGen allele CA891844482.